The following is an entry in ClinVar:

ClinVar aggregate classification (germline): Uncertain significance (1 of 4 stars; one submission).

Conditions:
Vitamin B2 deficiency. Identifiers: MedGen C0035528.

gnomAD v4.1: 71 of 1,614,076 alleles (0.0044%); highest among the groups gnomAD compares: Non-Finnish European, 0.0058%; no homozygotes.

Submission:

Labcorp Genetics (formerly Invitae), Labcorp
Classification: Uncertain significance for Vitamin B2 deficiency. Last evaluated: 2025-09-24. Review status: criteria provided, single submitter. Criteria: Invitae Variant Classification Sherloc (09022015). Collection method: clinical testing. Allele origin: germline.
Comment: This sequence change replaces phenylalanine, which is neutral and non-polar, with leucine, which is neutral and non-polar, at codon 132 of the SLC52A1 protein (p.Phe132Leu). This variant is present in population databases (rs143199804, gnomAD 0.004%). This variant has not been reported in the literature in individuals affected with SLC52A1-related conditions. Invitae Evidence Modeling of protein sequence and biophysical properties (such as structural, functional, and spatial information, amino acid conservation, physicochemical variation, residue mobility, and thermodynamic stability) indicates that this missense variant is not expected to disrupt SLC52A1 protein function with a negative predictive value of 80%. In summary, the available evidence is currently insufficient to determine the role of this variant in disease. Therefore, it has been classified as a Variant of Uncertain Significance.

NM_017986.4(SLC52A1):c.396C>G (p.Phe132Leu)

Gene: SLC52A1 (solute carrier family 52 member 1; minus strand). Cytogenetic location: 17p13.2.
Variant type: single nucleotide variant.
Coding change: c.396C>G on transcript NM_017986.4 (MANE Select); coding-DNA position 396, C replaced by G.
Protein change: p.Phe132Leu; replaces phenylalanine 132 with leucine.
Molecular consequence: missense variant.
Genome position (GRCh38, 1-based): chr17:5,034,093, G>C on the plus strand (C>G on the coding strand, the complement: SLC52A1 is on the minus strand). VCF-style: chr17-5034093-G-C. GRCh37 (hg19) VCF-style: chr17-4937388-G-C.
Other names: c.396C>G, p.Phe132Leu (NM_001104577.2); short protein forms F132L.
Identifiers: ClinVar variation 4812205 (VCV004812205.1).